The following is an entry in ClinVar:

ClinVar aggregate classification (germline): Uncertain significance (1 of 4 stars; one submission).

Submission:

Labcorp Genetics (formerly Invitae), Labcorp
Classification: Uncertain significance. Last evaluated: 2025-06-03. Review status: criteria provided, single submitter. Criteria: Invitae Variant Classification Sherloc (09022015). Collection method: clinical testing. Allele origin: germline.
Comment: This sequence change affects the initiator codon of the ADGRE2 mRNA. This change may impact translation initiation or efficiency. The next in-frame methionine is located at codon 62. This variant is present in population databases (rs568256072, gnomAD 0.03%). This variant has not been reported in the literature in individuals affected with ADGRE2-related conditions. Experimental studies and prediction algorithms are not available or were not evaluated, and the functional significance of this variant is currently unknown. In summary, the available evidence is currently insufficient to determine the role of this variant in disease. Therefore, it has been classified as a Variant of Uncertain Significance.

NM_013447.4(ADGRE2):c.3G>T (p.Met1Ile)

Gene: ADGRE2 (adhesion G protein-coupled receptor E2; minus strand). Cytogenetic location: 19p13.12.
Variant type: single nucleotide variant.
Coding change: c.3G>T on transcript NM_013447.4 (MANE Select); coding-DNA position 3, G replaced by T.
Protein change: p.Met1Ile; changes the start codon (methionine 1).
Molecular consequence: missense variant, initiator codon variant.
Genome position (GRCh38, 1-based): chr19:14,776,754, C>A on the plus strand (G>T on the coding strand, the complement: ADGRE2 is on the minus strand). VCF-style: chr19-14776754-C-A. GRCh37 (hg19) VCF-style: chr19-14887566-C-A.
Other names: c.3G>T, p.Met1Ile (NM_001271052.1, NM_152916.2, NM_152917.2); short protein forms M1I.
Identifiers: ClinVar variation 4778311 (VCV004778311.1).